The following is an entry in ClinVar:

NM_006005.3(WFS1):c.1979A>G (p.Tyr660Cys)

Gene: WFS1 (wolframin ER transmembrane glycoprotein; plus strand). Cytogenetic location: 4p16.1.
Variant type: single nucleotide variant.
Coding change: c.1979A>G on transcript NM_006005.3 (MANE Select); coding-DNA position 1979, A replaced by G.
Protein change: p.Tyr660Cys; replaces tyrosine 660 with cysteine.
Molecular consequence: missense variant.
Genome position (GRCh38, 1-based): chr4:6,301,774, A>G. VCF-style: chr4-6301774-A-G. GRCh37 (hg19) VCF-style: chr4-6303501-A-G.
Other names: c.1979A>G, p.Tyr660Cys (NM_001145853.1); short protein forms Y660C.
Identifiers: ClinVar variation 2062418 (VCV002062418.4), dbSNP rs2474195487, ClinGen allele CA356177218.

ClinVar aggregate classification (germline): Uncertain significance (1 of 4 stars; one submission).

Allele frequency attached by ClinVar (database versions not stated): gnomAD exomes below 0.00001.
gnomAD v4.1: 2 of 1,613,556 alleles (0.00012%); highest among the groups gnomAD compares: East Asian, 0.0022%; no homozygotes.

Submission:

Labcorp Genetics (formerly Invitae), Labcorp
Classification: Uncertain significance. Last evaluated: 2022-08-16. Review status: criteria provided, single submitter. Criteria: Invitae Variant Classification Sherloc (09022015). Collection method: clinical testing. Allele origin: germline.
Comment: In summary, the available evidence is currently insufficient to determine the role of this variant in disease. Therefore, it has been classified as a Variant of Uncertain Significance. Algorithms developed to predict the effect of sequence changes on RNA splicing suggest that this variant may create or strengthen a splice site. Advanced modeling of protein sequence and biophysical properties (such as structural, functional, and spatial information, amino acid conservation, physicochemical variation, residue mobility, and thermodynamic stability) performed at Invitae indicates that this missense variant is expected to disrupt WFS1 protein function. This variant has not been reported in the literature in individuals affected with WFS1-related conditions. This variant is not present in population databases (gnomAD no frequency). This sequence change replaces tyrosine, which is neutral and polar, with cysteine, which is neutral and slightly polar, at codon 660 of the WFS1 protein (p.Tyr660Cys).